The following is an entry in ClinVar:

NM_020458.4(TTC7A):c.248C>A (p.Ala83Asp)

Gene: TTC7A (tetratricopeptide repeat domain 7A; plus strand). Cytogenetic location: 2p21.
Variant type: single nucleotide variant.
Coding change: c.248C>A on transcript NM_020458.4 (MANE Select); coding-DNA position 248, C replaced by A.
Protein change: p.Ala83Asp; replaces alanine 83 with aspartic acid.
Molecular consequence: missense variant. On other transcripts: 5 prime UTR variant (1).
Genome position (GRCh38, 1-based): chr2:46,950,426, C>A. VCF-style: chr2-46950426-C-A. GRCh37 (hg19) VCF-style: chr2-47177565-C-A.
Other names: c.248C>A, p.Ala83Asp (NM_001288951.2); c.146C>A, p.Ala49Asp (NM_001288953.2); c.-657C>A (NM_001288955.2); c.248C>A (NM_020458.2); short protein forms A83D, A49D.
Identifiers: ClinVar variation 967082 (VCV000967082.10), dbSNP rs145327046, ClinGen allele CA1647073.
Genomic context (GRCh38, chr2:46,950,426, plus strand): 5'-ACTTTGGGAAATTGCTGCTGGCTGAGGCCCTCCTGGAGCAGTGTTTGAAGGAGAACCATG[C>A]CAAAATAAAAGACTCCATGCCTTTGCTGGAGAAGAATGAGCCGAAGATGAGCGAAGCCAA-3'
Protein context (NP_065191.2, residues 73-93): LLEQCLKENH[Ala83Asp]KIKDSMPLLE

ClinVar aggregate classification (germline): Uncertain significance. Review status: criteria provided, multiple submitters, no conflicts (2 of 4 stars). 2 submissions from 2 submitters: Uncertain significance (2). Last evaluated 2025-01-23.

Conditions:
Inborn genetic diseases. Identifiers: MedGen C0950123, MeSH D030342.
Multiple gastrointestinal atresias. Also called: Multiple intestinal atresia; FAMILIAL INTESTINAL POLYATRESIA SYNDROME. Identifiers: Orphanet 2300, MedGen C0220744, MONDO:0009465.

Allele frequency attached by ClinVar (database versions not stated): gnomAD exomes 0.00001; ExAC 0.00002; gnomAD 0.00012 and 0.00015; TOPMed 0.00014; 1000 Genomes Project 30x 0.00016; 1000 Genomes Project 0.00020.
gnomAD v4.1: 36 of 1,614,102 alleles (0.0022%); highest among the groups gnomAD compares: African/African-American, 0.044%; no homozygotes.

Submissions (2):

Ambry Genetics
Classification: Uncertain significance for Inborn genetic diseases. Last evaluated: 2025-01-23. Review status: criteria provided, single submitter. Criteria: Ambry Variant Classification Scheme 2023. Collection method: clinical testing. Allele origin: germline.

Labcorp Genetics (formerly Invitae), Labcorp
Classification: Uncertain significance for Multiple gastrointestinal atresias. Last evaluated: 2024-09-30. Review status: criteria provided, single submitter. Criteria: Invitae Variant Classification Sherloc (09022015). Collection method: clinical testing. Allele origin: germline.
Comment: This sequence change replaces alanine, which is neutral and non-polar, with aspartic acid, which is acidic and polar, at codon 83 of the TTC7A protein (p.Ala83Asp). This variant is present in population databases (rs145327046, gnomAD 0.02%). This variant has not been reported in the literature in individuals affected with TTC7A-related conditions. ClinVar contains an entry for this variant (Variation ID: 967082). Invitae Evidence Modeling of protein sequence and biophysical properties (such as structural, functional, and spatial information, amino acid conservation, physicochemical variation, residue mobility, and thermodynamic stability) indicates that this missense variant is not expected to disrupt TTC7A protein function with a negative predictive value of 80%. In summary, the available evidence is currently insufficient to determine the role of this variant in disease. Therefore, it has been classified as a Variant of Uncertain Significance.